The following is an entry in ClinVar:

ClinVar aggregate classification (germline): Uncertain significance (1 of 4 stars; one submission).

Conditions:
Cardiovascular phenotype. Identifiers: MedGen CN230736.

Allele frequency attached by ClinVar (database versions not stated): gnomAD exomes 0.00001.

Submission:

Ambry Genetics
Classification: Uncertain significance for Cardiovascular phenotype. Last evaluated: 2022-05-24. Review status: criteria provided, single submitter. Criteria: Ambry Variant Classification Scheme 2023. Collection method: clinical testing. Allele origin: germline.
Comment: The p.G3507S variant (also known as c.10519G>A), located in coding exon 42 of the AKAP9 gene, results from a G to A substitution at nucleotide position 10519. The glycine at codon 3507 is replaced by serine, an amino acid with similar properties. This amino acid position is conserved. In addition, this alteration is predicted to be tolerated by in silico analysis. Since supporting evidence is limited at this time, the clinical significance of this alteration remains unclear.

NM_005751.5(AKAP9):c.10519G>A (p.Gly3507Ser)

Gene: AKAP9 (A-kinase anchoring protein 9; plus strand). Cytogenetic location: 7q21.2.
Variant type: single nucleotide variant.
Coding change: c.10519G>A on transcript NM_005751.5 (MANE Select); coding-DNA position 10519, G replaced by A.
Protein change: p.Gly3507Ser; replaces glycine 3507 with serine.
Molecular consequence: missense variant.
Genome position (GRCh38, 1-based): chr7:92,097,706, G>A. VCF-style: chr7-92097706-G-A. GRCh37 (hg19) VCF-style: chr7-91727020-G-A.
Other names: c.5164G>A, p.Gly1722Ser (NM_001379277.1); c.10495G>A, p.Gly3499Ser (NM_147185.3); short protein forms G1722S, G3499S, G3507S.
Identifiers: ClinVar variation 1777187 (VCV001777187.2), dbSNP rs2535302916, ClinGen allele CA368156834.